The following is an entry in ClinVar:

NM_001206927.2(DNAH8):c.2083C>G (p.His695Asp)

Gene: DNAH8 (dynein axonemal heavy chain 8; plus strand). Cytogenetic location: 6p21.2.
Variant type: single nucleotide variant.
Coding change: c.2083C>G on transcript NM_001206927.2 (MANE Select); coding-DNA position 2083, C replaced by G.
Protein change: p.His695Asp; replaces histidine 695 with aspartic acid.
Molecular consequence: missense variant.
Genome position (GRCh38, 1-based): chr6:38,780,009, C>G. VCF-style: chr6-38780009-C-G. GRCh37 (hg19) VCF-style: chr6-38747785-C-G.
Other names: c.1432C>G, p.His478Asp (NM_001371.4); short protein forms H695D, H478D.
Identifiers: ClinVar variation 933874 (VCV000933874.9), dbSNP rs200737379, ClinGen allele CA3788406.
Genomic context (GRCh38, chr6:38,780,009, plus strand): 5'-GCTTTGATTACTTTTAGGTTTCAGAAGCTGAACATTCCCTGTCTGGGATTAGAAATAAAC[C>G]ACACAATAGAGCGTATTCTTCAGTACTATGTGGCTGAACTTGATGCTACTAAGAAGGCAA-3'
Protein context (NP_001193856.1, residues 685-705): NIPCLGLEIN[His695Asp]TIERILQYYV

ClinVar aggregate classification (germline): Uncertain significance. Review status: criteria provided, multiple submitters, no conflicts (2 of 4 stars). 2 submissions from 2 submitters: Uncertain significance (2). Last evaluated 2026-01-07.

Conditions:
DNAH8-related disorder. Also called: DNAH8-related condition.
Primary ciliary dyskinesia. Also called: Ciliary dyskinesia. Identifiers: Orphanet 244, MedGen C0008780, MONDO:0016575, HP:0012265.

Allele frequency attached by ClinVar (database versions not stated): gnomAD 0.00004; gnomAD exomes 0.00004; ExAC 0.00006; TOPMed 0.00006; ESP Exome Variant Server 0.00008.
gnomAD v4.1: 174 of 1,613,840 alleles (0.011%); highest among the groups gnomAD compares: Non-Finnish European, 0.014%; no homozygotes.

Submissions (2):

Labcorp Genetics (formerly Invitae), Labcorp
Classification: Uncertain significance for Primary ciliary dyskinesia. Last evaluated: 2026-01-07. Review status: criteria provided, single submitter. Criteria: Invitae Variant Classification Sherloc (09022015). Collection method: clinical testing. Allele origin: germline.
Comment: This sequence change replaces histidine, which is basic and polar, with aspartic acid, which is acidic and polar, at codon 695 of the DNAH8 protein (p.His695Asp). This variant is present in population databases (rs200737379, gnomAD 0.009%). This variant has not been reported in the literature in individuals affected with DNAH8-related conditions. ClinVar contains an entry for this variant (Variation ID: 933874). Experimental studies and prediction algorithms are not available or were not evaluated, and the functional significance of this variant is currently unknown. In summary, the available evidence is currently insufficient to determine the role of this variant in disease. Therefore, it has been classified as a Variant of Uncertain Significance.

PreventionGenetics, part of Exact Sciences
Classification: Uncertain significance for DNAH8-related condition. Last evaluated: 2023-03-14. Review status: criteria provided, single submitter. Criteria: ACMG Guidelines, 2015. Collection method: clinical testing. Allele origin: germline.
Comment: The DNAH8 c.2083C>G variant is predicted to result in the amino acid substitution p.His695Asp. To our knowledge, this variant has not been reported in the literature or in a large population database, indicating this variant is rare. At this time, the clinical significance of this variant is uncertain due to the absence of conclusive functional and genetic evidence.